The following is an entry in ClinVar:

ClinVar aggregate classification (germline): Uncertain significance (1 of 4 stars; one submission).

Conditions:
Early-infantile DEE. Also called: Ohtahara syndrome; Early infantile epileptic encephalopathy with suppression bursts; Early infantile epileptic encephalopathy. Identifiers: Orphanet 1934, MedGen C0393706, MONDO:0800491.

gnomAD v4.1: 1 of 1,613,934 alleles (0.000062%); highest among the groups gnomAD compares: Admixed American, 0.0017%; no homozygotes.

Submission:

Labcorp Genetics (formerly Invitae), Labcorp
Classification: Uncertain significance for Early-infantile DEE. Last evaluated: 2022-02-04. Review status: criteria provided, single submitter. Criteria: Invitae Variant Classification Sherloc (09022015). Collection method: clinical testing. Allele origin: germline.
Comment: In summary, the available evidence is currently insufficient to determine the role of this variant in disease. Therefore, it has been classified as a Variant of Uncertain Significance. Algorithms developed to predict the effect of missense changes on protein structure and function are either unavailable or do not agree on the potential impact of this missense change (SIFT: "Tolerated"; PolyPhen-2: "Possibly Damaging"; Align-GVGD: "Class C0"). This variant has not been reported in the literature in individuals affected with ARHGEF15-related conditions. This variant is present in population databases (no rsID available, gnomAD 0.003%). This sequence change replaces arginine, which is basic and polar, with glycine, which is neutral and non-polar, at codon 718 of the ARHGEF15 protein (p.Arg718Gly).

NM_173728.4(ARHGEF15):c.2152C>G (p.Arg718Gly)

Gene: ARHGEF15 (Rho guanine nucleotide exchange factor 15; plus strand). Cytogenetic location: 17p13.1.
Variant type: single nucleotide variant.
Coding change: c.2152C>G on transcript NM_173728.4 (MANE Select); coding-DNA position 2152, C replaced by G.
Protein change: p.Arg718Gly; replaces arginine 718 with glycine.
Molecular consequence: missense variant.
Genome position (GRCh38, 1-based): chr17:8,319,125, C>G. VCF-style: chr17-8319125-C-G. GRCh37 (hg19) VCF-style: chr17-8222443-C-G.
Other names: c.2152C>G, p.Arg718Gly (NM_025014.2); short protein forms R718G.
Identifiers: ClinVar variation 1466457 (VCV001466457.9), dbSNP rs199891313, ClinGen allele CA398024724.